The following is an entry in ClinVar:

ClinVar aggregate classification (germline): Uncertain significance. Review status: criteria provided, multiple submitters, no conflicts (2 of 4 stars). 3 submissions from 3 submitters: Uncertain significance (3). Last evaluated 2025-12-16.

Conditions:
Episodic kinesigenic dyskinesia (EKD). Also called: Paroxysmal kinesigenic dyskinesia. Identifiers: Orphanet 98809, MedGen C1868682, MONDO:0044202.
PRRT2-associated conditions.

Allele frequency attached by ClinVar (database versions not stated): ExAC 0.00001; gnomAD exomes 0.00001; gnomAD 0.00003.
gnomAD v4.1: 84 of 1,610,312 alleles (0.0052%); highest among the groups gnomAD compares: East Asian, 0.18%; no homozygotes.

Submissions (3):

Labcorp Genetics (formerly Invitae), Labcorp
Classification: Uncertain significance for Episodic kinesigenic dyskinesia. Last evaluated: 2025-12-16. Review status: criteria provided, single submitter. Criteria: Invitae Variant Classification Sherloc (09022015). Collection method: clinical testing. Allele origin: germline.
Comment: This sequence change replaces serine, which is neutral and polar, with arginine, which is basic and polar, at codon 174 of the PRRT2 protein (p.Ser174Arg). This variant is present in population databases (rs777955072, gnomAD 0.01%). This missense change has been observed in individual(s) with benign infantile epilepsy (PMID: 31154286). ClinVar contains an entry for this variant (Variation ID: 449142). Invitae Evidence Modeling of protein sequence and biophysical properties (such as structural, functional, and spatial information, amino acid conservation, physicochemical variation, residue mobility, and thermodynamic stability) indicates that this missense variant is not expected to disrupt PRRT2 protein function with a negative predictive value of 95%. In summary, the available evidence is currently insufficient to determine the role of this variant in disease. Therefore, it has been classified as a Variant of Uncertain Significance.

Clinical Genomics Laboratory, Stanford Medicine
Classification: Uncertain significance for PRRT2-associated conditions. Last evaluated: 2023-02-10. Review status: criteria provided, single submitter. Criteria: ACMG Guidelines, 2015. Collection method: clinical testing. Allele origin: paternal. Affected: yes. Observed: 2 variant alleles, 2 heterozygotes. Clinical features observed: recurrent complex febrile seizures, status epilepticus.
Comment: The p.Ser174Arg variant in the PRRT2 gene has been previously reported in 1 individual with benign infantile epilepsy (PMID: 31154286). This variant has been identified in 1/18,364 East Asian chromosomes by the Genome Aggregation Database. This variant is present in ClinVar (Accession: VCV000449142.8). Computational tools predict that this variant does not impact protein function; however, the accuracy of in silico algorithms is limited. These data were assessed using the ACMG/AMP variant interpretation guidelines. In summary, the significance of the p.Ser174Arg variant is uncertain. Additional information is needed to resolve the significance of this variant. [ACMG evidence codes used: PM2; BP4]

GeneDx
Classification: Uncertain significance. Last evaluated: 2015-12-04. Review status: criteria provided, single submitter. Criteria: GeneDx Variant Classification (06012015). Collection method: clinical testing. Allele origin: germline. Affected: yes.
Comment: A variant of uncertain significance has been identified in the PRRT2 gene. The S174R variant has not been published as a pathogenic variant, nor has it been reported as a benign variant to our knowledge. It was not observed in approximately 6,500 individuals of European and African American ancestry in the NHLBI Exome Sequencing Project, indicating it is not a common benign variant in these populations. The S174R variant is a semi-conservative amino acid substitution, which may impact secondary protein structure as these residues differ in some properties. However, this substitution occurs at a position that is not conserved, and Arginine is observed at this position in evolution. Additionally, in silico analysis predicts this variant likely does not alter the protein structure/function. Therefore, based on the currently available information, it is unclear whether this variant is a pathogenic variant or a rare benign variant.

Literature cited by the submitters: PubMed 31154286 (cited by Labcorp Genetics (formerly Invitae), Labcorp and Clinical Genomics Laboratory, Stanford Medicine).

NM_145239.3(PRRT2):c.522T>G (p.Ser174Arg)

Genes: MVP-DT (MVP divergent transcript; minus strand), PRRT2 (proline rich transmembrane protein 2; plus strand). Cytogenetic location: 16p11.2.
Variant type: single nucleotide variant.
Coding change: c.522T>G on transcript NM_145239.3 (MANE Select); coding-DNA position 522, T replaced by G.
Protein change: p.Ser174Arg; replaces serine 174 with arginine.
Molecular consequence: missense variant.
Genome position (GRCh38, 1-based): chr16:29,813,576, T>G. VCF-style: chr16-29813576-T-G. GRCh37 (hg19) VCF-style: chr16-29824897-T-G.
Other names: c.522T>G, p.Ser174Arg (NM_001256442.2, NM_001256443.2); short protein forms S174R.
Identifiers: ClinVar variation 449142 (VCV000449142.9), dbSNP rs777955072, ClinGen allele CA7994540.